The following is an entry in ClinVar:

NM_020549.5(CHAT):c.1964T>C (p.Leu655Pro)

Gene: CHAT (choline O-acetyltransferase; plus strand). Cytogenetic location: 10q11.23.
Variant type: single nucleotide variant.
Coding change: c.1964T>C on transcript NM_020549.5 (MANE Select); coding-DNA position 1964, T replaced by C.
Protein change: p.Leu655Pro; replaces leucine 655 with proline.
Molecular consequence: missense variant.
Genome position (GRCh38, 1-based): chr10:49,662,769, T>C. VCF-style: chr10-49662769-T-C. GRCh37 (hg19) VCF-style: chr10-50870815-T-C.
Other names: NM_020986.3:c.1610T>C; c.1610T>C, p.Leu537Pro (NM_001142929.2, NM_001142934.2, NM_020984.4 and 2 more transcripts); c.1718T>C, p.Leu573Pro (NM_001142933.2); short protein forms L537P, L573P, L655P.
Identifiers: ClinVar variation 1679847 (VCV001679847.1), dbSNP rs2132852977, ClinGen allele CA376711777.

ClinVar aggregate classification (germline): Uncertain significance (1 of 4 stars; one submission).

Conditions:
Familial infantile myasthenia (CMS6). Also called: MYASTHENIC SYNDROME, PRESYNAPTIC, CONGENITAL, ASSOCIATED WITH EPISODIC APNEA; MYASTHENIC SYNDROME, CONGENITAL, 6, PRESYNAPTIC; Congenital myasthenic syndrome type 6. Identifiers: Orphanet 590, MedGen C0393929, MONDO:0009689, OMIM 254210.

Submission:

Broad Center for Mendelian Genomics, Broad Institute of MIT and Harvard
Classification: Uncertain significance for Familial infantile myasthenia. Last evaluated: 2022-05-04. Review status: criteria provided, single submitter. Criteria: ACMG Guidelines, 2015. Collection method: curation. Allele origin: germline. Inheritance: Autosomal recessive inheritance.
Comment: The variant has not been previously reported in individuals with congenital myasthenic syndrome 6 and was absent from large population studies. Computational prediction tools and conservation analyses suggest that this variant may impact the protein, though this information is not predictive enough to determine pathogenicity. In summary, the clinical significance of the p.Leu655Pro variant is uncertain. ACMG/AMP Criteria applied: PM2, PP3 (Richards 2015).